The following is an entry in ClinVar:

NM_014251.3(SLC25A13):c.2019A>G (p.Gly673=)

Gene: SLC25A13 (solute carrier family 25 member 13; minus strand). Cytogenetic location: 7q21.3.
Variant type: single nucleotide variant.
Coding change: c.2019A>G on transcript NM_014251.3 (MANE Select); coding-DNA position 2019, A replaced by G.
Protein change: p.Gly673=; no amino-acid change (glycine 673 retained).
Molecular consequence: synonymous variant. On other transcripts: non-coding transcript variant (1).
Genome position (GRCh38, 1-based): chr7:96,121,200, T>C on the plus strand (A>G on the coding strand, the complement: SLC25A13 is on the minus strand). VCF-style: chr7-96121200-T-C. GRCh37 (hg19) VCF-style: chr7-95750512-T-C.
Other names: c.2022A>G, p.Gly674= (NM_001160210.2).
Identifiers: ClinVar variation 4881353 (VCV004881353.2).

ClinVar aggregate classification (germline): Uncertain significance (1 of 4 stars; one submission).

Conditions:
Neonatal intrahepatic cholestasis due to citrin deficiency (CDNI). Also called: Neonatal-onset citrullinemia type II; Neonatal-onset citrullinemia type 2; CITRIN DEFICIENCY, NEONATAL OR INFANTILE ONSET; Neonatal Intrahepatic Cholestasis Caused by Citrin Deficiency (NICCD). Identifiers: Orphanet 247598, MedGen C1853942, MONDO:0011601, OMIM 605814.

gnomAD v4.1: 1 of 1,614,178 alleles (0.000062%); highest among the groups gnomAD compares: Non-Finnish European, 0.000085%; no homozygotes.

Submission:

Dasa
Classification: Uncertain significance for Neonatal intrahepatic cholestasis due to citrin deficiency. Last evaluated: 2025-04-18. Review status: criteria provided, single submitter. Criteria: DASA Assertion Criteria. Collection method: clinical testing. Allele origin: germline.
Comment: NM_014251.3(SLC25A13):c.2019A>G (p.Gly673=) is a synonymous variant predicted not to alter the encoded amino acid sequence. This variant is rare in population databases. The currently available literature and clinical evidence are not sufficient to establish a definitive association between this variant and the reported condition. Therefore, this variant is classified as a variant of uncertain significance.